The following is an entry in ClinVar:

NM_006015.6(ARID1A):c.5711A>C (p.Glu1904Ala)

Gene: ARID1A (AT-rich interaction domain 1A; plus strand). Cytogenetic location: 1p36.11.
Variant type: single nucleotide variant.
Coding change: c.5711A>C on transcript NM_006015.6 (MANE Select); coding-DNA position 5711, A replaced by C.
Protein change: p.Glu1904Ala; replaces glutamic acid 1904 with alanine.
Molecular consequence: missense variant.
Genome position (GRCh38, 1-based): chr1:26,779,609, A>C. VCF-style: chr1-26779609-A-C. GRCh37 (hg19) VCF-style: chr1-27106100-A-C.
Other names: c.5060A>C, p.Glu1687Ala (NM_139135.4); short protein forms E1904A, E1687A.
Identifiers: ClinVar variation 4760819 (VCV004760819.1).

ClinVar aggregate classification (germline): Uncertain significance (1 of 4 stars; one submission).

Submission:

Labcorp Genetics (formerly Invitae), Labcorp
Classification: Uncertain significance. Last evaluated: 2025-09-27. Review status: criteria provided, single submitter. Criteria: Invitae Variant Classification Sherloc (09022015). Collection method: clinical testing. Allele origin: germline.
Comment: This sequence change replaces glutamic acid, which is acidic and polar, with alanine, which is neutral and non-polar, at codon 1904 of the ARID1A protein (p.Glu1904Ala). This variant is not present in population databases (gnomAD no frequency). This variant has not been reported in the literature in individuals affected with ARID1A-related conditions. Invitae Evidence Modeling of protein sequence and biophysical properties (such as structural, functional, and spatial information, amino acid conservation, physicochemical variation, residue mobility, and thermodynamic stability) indicates that this missense variant is not expected to disrupt ARID1A protein function with a negative predictive value of 95%. In summary, the available evidence is currently insufficient to determine the role of this variant in disease. Therefore, it has been classified as a Variant of Uncertain Significance.